The following is an entry in ClinVar:

NM_000032.5(ALAS2):c.1732A>C (p.Met578Leu)

Gene: ALAS2 (5'-aminolevulinate synthase 2; minus strand). Cytogenetic location: Xp11.21.
Variant type: single nucleotide variant.
Coding change: c.1732A>C on transcript NM_000032.5 (MANE Select); coding-DNA position 1732, A replaced by C.
Protein change: p.Met578Leu; replaces methionine 578 with leucine.
Molecular consequence: missense variant.
Genome position (GRCh38, 1-based): chrX:55,009,212, T>G on the plus strand (A>C on the coding strand, the complement: ALAS2 is on the minus strand). VCF-style: chrX-55009212-T-G. GRCh37 (hg19) VCF-style: chrX-55035645-T-G.
Other names: c.1732A>C (NM_000032.4); c.1621A>C, p.Met541Leu (NM_001037967.4); c.1693A>C, p.Met565Leu (NM_001037968.4); short protein forms M541L, M578L, M565L.
Identifiers: ClinVar variation 3709734 (VCV003709734.3).

ClinVar aggregate classification (germline): Uncertain significance. Review status: criteria provided, multiple submitters, no conflicts (2 of 4 stars). 2 submissions from 2 submitters: Uncertain significance (2). Last evaluated 2025-10-06.

Conditions:
Inborn genetic diseases. Identifiers: MedGen C0950123, MeSH D030342.

Submissions (2):

Ambry Genetics
Classification: Uncertain significance for Inborn genetic diseases. Last evaluated: 2025-10-06. Review status: criteria provided, single submitter. Criteria: Ambry Variant Classification Scheme 2023. Collection method: clinical testing. Allele origin: germline.

Labcorp Genetics (formerly Invitae), Labcorp
Classification: Uncertain significance. Last evaluated: 2025-01-16. Review status: criteria provided, single submitter. Criteria: Invitae Variant Classification Sherloc (09022015). Collection method: clinical testing. Allele origin: germline.
Comment: This sequence change replaces methionine, which is neutral and non-polar, with leucine, which is neutral and non-polar, at codon 578 of the ALAS2 protein (p.Met578Leu). This variant is present in population databases (rs766555892, gnomAD 0.02%). This variant has not been reported in the literature in individuals affected with ALAS2-related conditions. Invitae Evidence Modeling of protein sequence and biophysical properties (such as structural, functional, and spatial information, amino acid conservation, physicochemical variation, residue mobility, and thermodynamic stability) indicates that this missense variant is not expected to disrupt ALAS2 protein function with a negative predictive value of 95%. In summary, the available evidence is currently insufficient to determine the role of this variant in disease. Therefore, it has been classified as a Variant of Uncertain Significance.